The following is an entry in ClinVar:

ClinVar aggregate classification (germline): Uncertain significance (1 of 4 stars; one submission).

Conditions:
Senior-Loken syndrome 7 (SLSN7). Identifiers: Orphanet 3156, MedGen C3150877, MONDO:0013326, OMIM 613615.
Bardet-Biedl syndrome 16 (BBS16). Identifiers: Orphanet 110, MedGen C3889474, MONDO:0014444, OMIM 615993.

Submission:

Labcorp Genetics (formerly Invitae), Labcorp
Classification: Uncertain significance for Bardet-Biedl syndrome 16; Senior-Loken syndrome 7. Last evaluated: 2022-03-04. Review status: criteria provided, single submitter. Criteria: Invitae Variant Classification Sherloc (09022015). Collection method: clinical testing. Allele origin: germline.
Comment: Variants that disrupt the consensus splice site are a relatively common cause of aberrant splicing (PMID: 17576681, 9536098). Algorithms developed to predict the effect of sequence changes on RNA splicing suggest that this variant may disrupt the consensus splice site. In summary, the available evidence is currently insufficient to determine the role of this variant in disease. Therefore, it has been classified as a Variant of Uncertain Significance. This variant has not been reported in the literature in individuals affected with SDCCAG8-related conditions. This variant is not present in population databases (gnomAD no frequency). This sequence change affects an acceptor splice site in intron 17 of the SDCCAG8 gene. While this variant is not anticipated to result in nonsense mediated decay, it likely alters RNA splicing and results in a disrupted protein product.

Literature cited by the submitters: PubMed 17576681; PubMed 9536098.

NM_006642.5(SDCCAG8):c.2113-1G>T

Genes: AKT3 (AKT serine/threonine kinase 3; minus strand), SDCCAG8 (SHH signaling and ciliogenesis regulator SDCCAG8; plus strand). Cytogenetic location: 1q43.
Variant type: single nucleotide variant.
Coding change: c.2113-1G>T on transcript NM_006642.5 (MANE Select); the canonical splice acceptor site of the intron before coding-DNA position 2113, G replaced by T.
Molecular consequence: splice acceptor variant. On other transcripts: missense variant (2), 3 prime UTR variant (2).
Genome position (GRCh38, 1-based): chr1:243,499,755, G>T. VCF-style: chr1-243499755-G-T. GRCh37 (hg19) VCF-style: chr1-243663057-G-T.
Other names: c.1386C>A, p.Asn462Lys (NM_001206729.2, NM_181690.2); c.*5494C>A (NM_001370074.1, NM_005465.7); c.1819-1G>T (NM_001350249.2); c.1210-1G>T (NM_001350251.2, NM_001350246.2, NM_001350247.2); c.2209-1G>T (NM_001350248.2); short protein forms N462K.
Identifiers: ClinVar variation 2106170 (VCV002106170.4), dbSNP rs1275793561, ClinGen allele CA345668266.
Genomic context (GRCh38, chr1:243,499,755, plus strand): 5'-GAAGACAAATAACATTGAAGAACATGAGCTATTGAAACTTACTTTTTATTATTTTTTCCA[G>T]TTACCCAGCATGCCACAATCTGATTGCTGACCTGGATGGAACAGAGTGAAATAAATGATT-3'